The following is an entry in ClinVar:

NM_001365088.1(SLC12A6):c.1726T>G (p.Ser576Ala)

Gene: SLC12A6 (solute carrier family 12 member 6; minus strand). Cytogenetic location: 15q14.
Variant type: single nucleotide variant.
Coding change: c.1726T>G on transcript NM_001365088.1 (MANE Select); coding-DNA position 1726, T replaced by G.
Protein change: p.Ser576Ala; replaces serine 576 with alanine.
Molecular consequence: missense variant.
Genome position (GRCh38, 1-based): chr15:34,245,791, A>C on the plus strand (T>G on the coding strand, the complement: SLC12A6 is on the minus strand). VCF-style: chr15-34245791-A-C. GRCh37 (hg19) VCF-style: chr15-34537992-A-C.
Other names: c.1549T>G, p.Ser517Ala (NM_001042494.2, NM_001042495.2); c.1699T>G, p.Ser567Ala (NM_001042496.2); c.1681T>G, p.Ser561Ala (NM_001042497.2); c.1573T>G, p.Ser525Ala (NM_005135.2); c.1726T>G, p.Ser576Ala (NM_133647.2); short protein forms S576A, S567A, S517A, S525A, S561A.
Identifiers: ClinVar variation 2962573 (VCV002962573.3), dbSNP rs146721602, ClinGen allele CA7464230.

ClinVar aggregate classification (germline): Uncertain significance (1 of 4 stars; one submission).

Allele frequency attached by ClinVar (database versions not stated): TOPMed below 0.00001; ExAC 0.00001; ESP Exome Variant Server 0.00008.

Submission:

Labcorp Genetics (formerly Invitae), Labcorp
Classification: Uncertain significance. Last evaluated: 2024-01-04. Review status: criteria provided, single submitter. Criteria: Invitae Variant Classification Sherloc (09022015). Collection method: clinical testing. Allele origin: germline.
Comment: This sequence change replaces serine, which is neutral and polar, with alanine, which is neutral and non-polar, at codon 576 of the SLC12A6 protein (p.Ser576Ala). This variant is present in population databases (rs146721602, gnomAD 0.0009%). This variant has not been reported in the literature in individuals affected with SLC12A6-related conditions. Advanced modeling of protein sequence and biophysical properties (such as structural, functional, and spatial information, amino acid conservation, physicochemical variation, residue mobility, and thermodynamic stability) performed at Invitae indicates that this missense variant is not expected to disrupt SLC12A6 protein function with a negative predictive value of 80%. In summary, the available evidence is currently insufficient to determine the role of this variant in disease. Therefore, it has been classified as a Variant of Uncertain Significance.